The following is an entry in ClinVar:

NM_199242.3(UNC13D):c.859-1G>C

Gene: UNC13D (unc-13 homolog D; minus strand). Cytogenetic location: 17q25.1.
Variant type: single nucleotide variant.
Coding change: c.859-1G>C on transcript NM_199242.3 (MANE Select); the canonical splice acceptor site of the intron before coding-DNA position 859, G replaced by C.
Molecular consequence: splice acceptor variant.
Genome position (GRCh38, 1-based): chr17:75,840,111, C>G on the plus strand (G>C on the coding strand, the complement: UNC13D is on the minus strand). VCF-style: chr17-75840111-C-G. GRCh37 (hg19) VCF-style: chr17-73836192-C-G.
Identifiers: ClinVar variation 651539 (VCV000651539.9), dbSNP rs1388957809, ClinGen allele CA401108219.

ClinVar aggregate classification (germline): Likely pathogenic (1 of 4 stars; one submission).

Conditions:
Familial hemophagocytic lymphohistiocytosis 3 (FHL3). Also called: UNC13D-Related Familial Hemophagocytic Lymphohistiocytosis (UNC13D-fHLH). Identifiers: Orphanet 540, MedGen C1837174, MONDO:0012146, OMIM 608898.

Allele frequency attached by ClinVar (database versions not stated): gnomAD exomes below 0.00001.

Submission:

Labcorp Genetics (formerly Invitae), Labcorp
Classification: Likely pathogenic for Familial hemophagocytic lymphohistiocytosis 3. Last evaluated: 2023-11-28. Review status: criteria provided, single submitter. Criteria: Invitae Variant Classification Sherloc (09022015). Collection method: clinical testing. Allele origin: germline.
Comment: This sequence change affects an acceptor splice site in intron 10 of the UNC13D gene. It is expected to disrupt RNA splicing. Variants that disrupt the donor or acceptor splice site typically lead to a loss of protein function (PMID: 16199547), and loss-of-function variants in UNC13D are known to be pathogenic (PMID: 14622600). This variant is present in population databases (no rsID available, gnomAD 0.0009%). Disruption of this splice site has been observed in individual(s) with familial hemophagocytic lymphohistiocytosis 3 (PMID: 24470399). ClinVar contains an entry for this variant (Variation ID: 651539). Algorithms developed to predict the effect of sequence changes on RNA splicing suggest that this variant may disrupt the consensus splice site. In summary, the currently available evidence indicates that the variant is pathogenic, but additional data are needed to prove that conclusively. Therefore, this variant has been classified as Likely Pathogenic.

Literature cited by the submitters: PubMed 16199547; PubMed 14622600; PubMed 24470399.